The following is an entry in ClinVar:

ClinVar aggregate classification (germline): Uncertain significance. Review status: criteria provided, multiple submitters, no conflicts (2 of 4 stars). 2 submissions from 2 submitters: Uncertain significance (2). Last evaluated 2022-09-06.

Conditions:
Glutamate formiminotransferase deficiency. Also called: Formiminoglutamic aciduria; Arakawa syndrome 1. Identifiers: Orphanet 51208, MedGen C0268609, MONDO:0009240, OMIM 229100.

Allele frequency attached by ClinVar (database versions not stated): gnomAD exomes 0.00004; ExAC 0.00005; ESP Exome Variant Server 0.00008; gnomAD 0.00008; TOPMed 0.00020; 1000 Genomes Project 30x 0.00031; 1000 Genomes Project 0.00040.
gnomAD v4.1: 145 of 1,594,936 alleles (0.0091%); highest among the groups gnomAD compares: Admixed American, 0.019%; no homozygotes.

Submissions (2):

GeneDx
Classification: Uncertain significance. Last evaluated: 2022-09-06. Review status: criteria provided, single submitter. Criteria: GeneDx Variant Classification Process June 2021. Collection method: clinical testing. Allele origin: germline. Affected: yes.
Comment: In silico analysis supports that this missense variant has a deleterious effect on protein structure/function; Has not been previously published as pathogenic or benign to our knowledge

Labcorp Genetics (formerly Invitae), Labcorp
Classification: Uncertain significance for Glutamate formiminotransferase deficiency. Last evaluated: 2022-06-24. Review status: criteria provided, single submitter. Criteria: Invitae Variant Classification Sherloc (09022015). Collection method: clinical testing. Allele origin: germline.
Comment: The frequency data for this variant in the population databases is considered unreliable, as metrics indicate poor data quality at this position in the gnomAD database. In summary, the available evidence is currently insufficient to determine the role of this variant in disease. Therefore, it has been classified as a Variant of Uncertain Significance. Algorithms developed to predict the effect of missense changes on protein structure and function output the following: SIFT: "Deleterious"; PolyPhen-2: "Benign"; Align-GVGD: "Class C0". The histidine amino acid residue is found in multiple mammalian species, which suggests that this missense change does not adversely affect protein function. This variant has not been reported in the literature in individuals affected with FTCD-related conditions. This sequence change replaces arginine, which is basic and polar, with histidine, which is basic and polar, at codon 436 of the FTCD protein (p.Arg436His).

NM_206965.2(FTCD):c.1307G>A (p.Arg436His)

Gene: FTCD (formimidoyltransferase cyclodeaminase; minus strand). Cytogenetic location: 21q22.3.
Variant type: single nucleotide variant.
Coding change: c.1307G>A on transcript NM_206965.2 (MANE Select); coding-DNA position 1307, G replaced by A.
Protein change: p.Arg436His; replaces arginine 436 with histidine.
Molecular consequence: missense variant.
Genome position (GRCh38, 1-based): chr21:46,138,644, C>T on the plus strand (G>A on the coding strand, the complement: FTCD is on the minus strand). VCF-style: chr21-46138644-C-T. GRCh37 (hg19) VCF-style: chr21-47558558-C-T.
Other names: c.1307G>A, p.Arg436His (NM_001320412.2, NM_006657.3); c.1307G>A (NM_006657.2); short protein forms R436H.
Identifiers: ClinVar variation 1433752 (VCV001433752.6), dbSNP rs373471933, ClinGen allele CA10073487.